The following is an entry in ClinVar:

ClinVar aggregate classification (germline): Uncertain significance (1 of 4 stars; one submission).

Conditions:
Pheochromocytoma. Also called: MAX-Related Hereditary Paraganglioma-Pheochromocytoma Syndrome. Identifiers: Orphanet 29072, MedGen C0031511, MONDO:0008233, OMIM 171300, HP:0002666.
Paragangliomas with sensorineural hearing loss. Identifiers: MedGen C1868633.
Carney-Stratakis syndrome. Also called: PARAGANGLIOMA AND GASTROINTESTINAL STROMAL TUMOR. Identifiers: Orphanet 97286, MedGen C1847319, MONDO:0011740, OMIM 606864.
Cowden syndrome 3 (CWS3). Identifiers: Orphanet 201, MedGen CN166604, MONDO:0014045.

Submission:

Labcorp Genetics (formerly Invitae), Labcorp
Classification: Uncertain significance for Carney-Stratakis syndrome; Paragangliomas with sensorineural hearing loss; Pheochromocytoma; Cowden syndrome 3. Last evaluated: 2021-09-01. Review status: criteria provided, single submitter. Criteria: Invitae Variant Classification Sherloc (09022015). Collection method: clinical testing. Allele origin: germline.
Comment: This sequence change replaces aspartic acid with tyrosine at codon 146 of the SDHD protein (p.Asp146Tyr). The aspartic acid residue is highly conserved and there is a large physicochemical difference between aspartic acid and tyrosine. This variant is not present in population databases (ExAC no frequency). This variant has not been reported in the literature in individuals affected with SDHD-related conditions. Algorithms developed to predict the effect of missense changes on protein structure and function are either unavailable or do not agree on the potential impact of this missense change (SIFT: "Deleterious"; PolyPhen-2: "Probably Damaging"; Align-GVGD: "Class C15"). In summary, the available evidence is currently insufficient to determine the role of this variant in disease. Therefore, it has been classified as a Variant of Uncertain Significance.

NM_003002.4(SDHD):c.436G>T (p.Asp146Tyr)

Gene: SDHD (succinate dehydrogenase complex subunit D; plus strand). Cytogenetic location: 11q23.1.
Variant type: single nucleotide variant.
Coding change: c.436G>T on transcript NM_003002.4 (MANE Select); coding-DNA position 436, G replaced by T.
Protein change: p.Asp146Tyr; replaces aspartic acid 146 with tyrosine.
Molecular consequence: missense variant. On other transcripts: 3 prime UTR variant (2), non-coding transcript variant (1).
Genome position (GRCh38, 1-based): chr11:112,094,926, G>T. VCF-style: chr11-112094926-G-T. GRCh37 (hg19) VCF-style: chr11-111965650-G-T.
Other names: c.*33G>T (NM_001276503.2); c.319G>T, p.Asp107Tyr (NM_001276504.2); c.*134G>T (NM_001276506.2); short protein forms D146Y, D107Y.
Identifiers: ClinVar variation 859307 (VCV000859307.8), dbSNP rs1592786384, ClinGen allele CA382619410.
Genomic context (GRCh38, chr11:112,094,926, plus strand): 5'-GCAGGGCTTTTGGCACTTTCAGCTTTAACCTTTGCTGGGCTTTGCTATTTCAACTATCAC[G>T]ATGTGGGCATCTGCAAAGCTGTTGCCATGCTGTGGAAGCTCTGACCTTTTTGACTTCATA-3'
Protein context (NP_002993.1, residues 136-156): FAGLCYFNYH[Asp146Tyr]VGICKAVAML